The following is an entry in ClinVar:

NM_174936.4(PCSK9):c.1024C>T (p.Gln342Ter)

Gene: PCSK9 (proprotein convertase subtilisin/kexin type 9; plus strand). Cytogenetic location: 1p32.3.
Variant type: single nucleotide variant.
Coding change: c.1024C>T on transcript NM_174936.4 (MANE Select); coding-DNA position 1024, C replaced by T.
Protein change: p.Gln342Ter; replaces glutamine 342 with a stop codon.
Molecular consequence: nonsense. On other transcripts: non-coding transcript variant (7).
Genome position (GRCh38, 1-based): chr1:55,057,358, C>T. VCF-style: chr1-55057358-C-T. GRCh37 (hg19) VCF-style: chr1-55523031-C-T.
Other names: c.1024C>T, p.Gln342Ter (NM_001407241.1, NM_001407244.1, NM_001407247.1); c.1027C>T, p.Gln343Ter (NM_001407242.1); c.967C>T, p.Gln323Ter (NM_001407243.1); c.832C>T, p.Gln278Ter (NM_001407245.1); c.649C>T, p.Gln217Ter (NM_001407246.1); c.1147C>T, p.Gln383Ter (NM_001407240.1); short protein forms Q217*, Q278*, Q323*, Q342*, Q343*, Q383*.
Identifiers: ClinVar variation 4881694 (VCV004881694.2).

ClinVar aggregate classification (germline): Uncertain significance (1 of 4 stars; one submission).

Submission:

Dasa
Classification: Uncertain significance. Last evaluated: 2026-04-21. Review status: criteria provided, single submitter. Criteria: DASA Assertion Criteria. Collection method: clinical testing. Allele origin: germline.
Comment: NM_174936.4(PCSK9):c.1024C>T (p.Gln342*) is a nonsense variant in PCSK9 predicted to introduce a premature termination codon. This variant is rare in population databases. The currently available literature and clinical evidence are not sufficient to establish a definitive association between this variant and the reported condition. Therefore, this variant is classified as a variant of uncertain significance.